The following is an entry in ClinVar:

NM_007194.4(CHEK2):c.66T>C (p.His22=)

Gene: CHEK2 (checkpoint kinase 2; minus strand). Cytogenetic location: 22q12.1.
Variant type: single nucleotide variant.
Coding change: c.66T>C on transcript NM_007194.4 (MANE Select); coding-DNA position 66, T replaced by C.
Protein change: p.His22=; no amino-acid change (histidine 22 retained).
Molecular consequence: synonymous variant.
Genome position (GRCh38, 1-based): chr22:28,734,656, A>G on the plus strand (T>C on the coding strand, the complement: CHEK2 is on the minus strand). VCF-style: chr22-28734656-A-G. GRCh37 (hg19) VCF-style: chr22-29130644-A-G.
Other names: c.66T>C, p.His22= (NM_001005735.3, NM_001349956.3, NM_145862.3); c.-712T>C (NM_001257387.3).
Identifiers: ClinVar variation 2707344 (VCV002707344.5), dbSNP rs2146153897, ClinGen allele CA513946628.

ClinVar aggregate classification (germline): Benign/Likely benign. Review status: criteria provided, multiple submitters, no conflicts (2 of 4 stars). 3 submissions from 3 submitters: Benign (1); Likely benign (2). Last evaluated 2026-01-20.

Conditions:
Hereditary cancer-predisposing syndrome. Also called: Hereditary neoplastic syndrome; Neoplastic Syndromes, Hereditary; Hereditary Cancer Syndrome; Tumor predisposition. Identifiers: Orphanet 140162, MedGen C0027672, MeSH D009386, MONDO:0015356.
Familial cancer of breast. Also called: Hereditary breast cancer; BREAST CANCER, FAMILIAL; hereditary breast carcinoma. Identifiers: Orphanet 227535, MedGen C0346153, MONDO:0016419, OMIM 114480. Disease mechanism: loss of function.

Submissions (3):

Labcorp Genetics (formerly Invitae), Labcorp
Classification: Likely benign for Familial cancer of breast. Last evaluated: 2026-01-20. Review status: criteria provided, single submitter. Criteria: Invitae Variant Classification Sherloc (09022015). Collection method: clinical testing. Allele origin: germline.

Myriad Genetics, Inc.
Classification: Benign for Familial cancer of breast. Last evaluated: 2024-10-01. Review status: criteria provided, single submitter. Criteria: Myriad Autosomal Dominant, Autosomal Recessive and X-Linked Classification Criteria (2023). Collection method: clinical testing. Allele origin: unknown.
Comment: This variant is considered benign. This variant is a silent/synonymous amino acid change and it is not expected to impact splicing.

Ambry Genetics
Classification: Likely benign for Hereditary cancer-predisposing syndrome. Last evaluated: 2024-04-29. Review status: criteria provided, single submitter. Criteria: Ambry Variant Classification Scheme 2023. Collection method: clinical testing. Allele origin: germline.